The following is an entry in ClinVar:

NM_007294.4(BRCA1):c.5206G>C (p.Val1736Leu)

Gene: BRCA1 (BRCA1 DNA repair associated; minus strand). Cytogenetic location: 17q21.31.
Variant type: single nucleotide variant.
Coding change: c.5206G>C on transcript NM_007294.4 (MANE Select); coding-DNA position 5206, G replaced by C.
Protein change: p.Val1736Leu; replaces valine 1736 with leucine.
Molecular consequence: missense variant. On other transcripts: non-coding transcript variant (1).
Genome position (GRCh38, 1-based): chr17:43,057,123, C>G on the plus strand (G>C on the coding strand, the complement: BRCA1 is on the minus strand). VCF-style: chr17-43057123-C-G. GRCh37 (hg19) VCF-style: chr17-41209140-C-G.
Other names: c.1768G>C, p.Val590Leu (NM_001408448.1, NM_001408450.1, NM_001408447.1 and 2 more transcripts); c.1762G>C, p.Val588Leu (NM_001408451.1); c.1756G>C, p.Val586Leu (NM_001408452.1, NM_001408453.1, NM_001408454.1 and 3 more transcripts); c.1753G>C, p.Val585Leu (NM_001408467.1, NM_001408458.1, NM_001408459.1 and 7 more transcripts); c.1750G>C, p.Val584Leu (NM_001408468.1, NM_001408469.1, NM_001408470.1); c.1894G>C, p.Val632Leu (NM_001408472.1, NM_007298.4, NM_007299.4 and 13 more transcripts); c.1891G>C, p.Val631Leu (NM_001408473.1, NM_001408392.1, NM_001408396.1 and 8 more transcripts); c.1696G>C, p.Val566Leu (NM_001408474.1); and 72 more; short protein forms V1736L, V1757L, V1689L, V632L, V1607L, V1625L, V1648L, V1665L.
Identifiers: ClinVar variation 867842 (VCV000867842.3), dbSNP rs377595653, ClinGen allele CA10591123.

Conditions:
Breast-ovarian cancer, familial, susceptibility to, 1 (BROVCA1). Also called: BRCA1 Hereditary Breast and Ovarian Cancer; OVARIAN CANCER, SUSCEPTIBILITY TO. Identifiers: Orphanet 145, MedGen C2676676, MONDO:0011450, OMIM 604370. Disease mechanism: loss of function.

Submission:

Brotman Baty Institute, University of Washington
No classification provided (evidence only). Condition: Breast-ovarian cancer, familial 1. Review status: no classification provided. Collection method: in vitro. Allele origin: not applicable. Functional consequence: functionally_abnormal.
ClinVar note: "not provided" was previously submitted as the classification for the variant. However, the classification appeared to be based only on an observation of functional data so it was converted to no classification on 2025-07-30.